The following is an entry in ClinVar:

NM_006206.6(PDGFRA):c.1298T>C (p.Val433Ala)

Gene: PDGFRA (platelet derived growth factor receptor alpha; plus strand). Cytogenetic location: 4q12.
Variant type: single nucleotide variant.
Coding change: c.1298T>C on transcript NM_006206.6 (MANE Select); coding-DNA position 1298, T replaced by C.
Protein change: p.Val433Ala; replaces valine 433 with alanine.
Molecular consequence: missense variant.
Genome position (GRCh38, 1-based): chr4:54,272,454, T>C. VCF-style: chr4-54272454-T-C. GRCh37 (hg19) VCF-style: chr4-55138621-T-C.
Other names: c.1298T>C, p.Val433Ala (NM_001347827.2, NM_001347829.2); c.1373T>C, p.Val458Ala (NM_001347828.2); c.1337T>C, p.Val446Ala (NM_001347830.2); short protein forms V433A, V446A, V458A.
Identifiers: ClinVar variation 970829 (VCV000970829.11), dbSNP rs1723456601, ClinGen allele CA356892255.
Genomic context (GRCh38, chr4:54,272,454, plus strand): 5'-TTCCTTCATCCATTCTGGACTTGGTCGATGATCACCATGGCTCAACTGGGGGACAGACGG[T>C]GAGGTGCACAGCTGAAGGCACGCCGCTTCCTGATATTGAGTGGATGATATGCAAAGATAT-3'
Protein context (NP_006197.1, residues 423-443): DHHGSTGGQT[Val433Ala]RCTAEGTPLP

ClinVar aggregate classification (germline): Uncertain significance. Review status: criteria provided, multiple submitters, no conflicts (2 of 4 stars). 3 submissions from 3 submitters: Uncertain significance (3). Last evaluated 2024-12-16.

Conditions:
Gastrointestinal stromal tumor. Also called: Gastrointestinal stromal tumor, somatic; Gastrointestinal stroma tumor. Identifiers: Orphanet 44890, MedGen C0238198, MeSH D046152, MONDO:0011719, OMIM 606764, HP:0100723.
Polyps, multiple and recurrent inflammatory fibroid, gastrointestinal. Identifiers: MedGen C5193005, MONDO:0008285, OMIM 175510.
Hereditary cancer-predisposing syndrome. Also called: Neoplastic Syndromes, Hereditary; Hereditary Cancer Syndrome; Hereditary neoplastic syndrome; Tumor predisposition. Identifiers: Orphanet 140162, MedGen C0027672, MeSH D009386, MONDO:0015356.

Allele frequency attached by ClinVar (database versions not stated): gnomAD exomes below 0.00001; TOPMed below 0.00001.
gnomAD v4.1: 1 of 1,613,936 alleles (0.000062%); highest among the groups gnomAD compares: Non-Finnish European, 0.000085%; no homozygotes.

Submissions (3):

Labcorp Genetics (formerly Invitae), Labcorp
Classification: Uncertain significance for Gastrointestinal stromal tumor. Last evaluated: 2024-12-16. Review status: criteria provided, single submitter. Criteria: Invitae Variant Classification Sherloc (09022015). Collection method: clinical testing. Allele origin: germline.
Comment: This sequence change replaces valine, which is neutral and non-polar, with alanine, which is neutral and non-polar, at codon 433 of the PDGFRA protein (p.Val433Ala). This variant is not present in population databases (gnomAD no frequency). This variant has not been reported in the literature in individuals affected with PDGFRA-related conditions. ClinVar contains an entry for this variant (Variation ID: 970829). Invitae Evidence Modeling of protein sequence and biophysical properties (such as structural, functional, and spatial information, amino acid conservation, physicochemical variation, residue mobility, and thermodynamic stability) indicates that this missense variant is not expected to disrupt PDGFRA protein function with a negative predictive value of 80%. In summary, the available evidence is currently insufficient to determine the role of this variant in disease. Therefore, it has been classified as a Variant of Uncertain Significance.

Ambry Genetics
Classification: Uncertain significance for Hereditary cancer-predisposing syndrome. Last evaluated: 2023-10-20. Review status: criteria provided, single submitter. Criteria: Ambry Variant Classification Scheme 2023. Collection method: clinical testing. Allele origin: germline.
Comment: The p.V433A variant (also known as c.1298T>C), located in coding exon 8 of the PDGFRA gene, results from a T to C substitution at nucleotide position 1298. The valine at codon 433 is replaced by alanine, an amino acid with similar properties. This amino acid position is conserved. In addition, the in silico prediction for this alteration is inconclusive. Since supporting evidence is limited at this time, the clinical significance of this alteration remains unclear.

Baylor Genetics
Classification: Uncertain significance for Polyps, multiple and recurrent inflammatory fibroid, gastrointestinal. Last evaluated: 2023-08-21. Review status: criteria provided, single submitter. Criteria: ACMG Guidelines, 2015. Collection method: clinical testing. Allele origin: unknown.